The following is an entry in ClinVar:

ClinVar aggregate classification (germline): Uncertain significance (1 of 4 stars; one submission).

Conditions:
Tuberous sclerosis 2 (TSC2). Identifiers: Orphanet 805, MedGen C1860707, MONDO:0013199, OMIM 613254.

Submission:

Labcorp Genetics (formerly Invitae), Labcorp
Classification: Uncertain significance for Tuberous sclerosis 2. Last evaluated: 2023-12-10. Review status: criteria provided, single submitter. Criteria: Invitae Variant Classification Sherloc (09022015). Collection method: clinical testing. Allele origin: germline.
Comment: This sequence change affects codon 888 of the TSC2 mRNA. It is a 'silent' change, meaning that it does not change the encoded amino acid sequence of the TSC2 protein. This variant is not present in population databases (gnomAD no frequency). This variant has not been reported in the literature in individuals affected with TSC2-related conditions. Algorithms developed to predict the effect of sequence changes on RNA splicing suggest that this variant may disrupt the consensus splice site. In summary, the available evidence is currently insufficient to determine the role of this variant in disease. Therefore, it has been classified as a Variant of Uncertain Significance.

NM_000548.5(TSC2):c.2664G>T (p.Leu888=)

Gene: TSC2 (TSC complex subunit 2; plus strand). Cytogenetic location: 16p13.3.
Variant type: single nucleotide variant.
Coding change: c.2664G>T on transcript NM_000548.5 (MANE Select); coding-DNA position 2664, G replaced by T.
Protein change: p.Leu888=; no amino-acid change (leucine 888 retained).
Molecular consequence: synonymous variant. On other transcripts: non-coding transcript variant (5).
Genome position (GRCh38, 1-based): chr16:2,076,092, G>T. VCF-style: chr16-2076092-G-T. GRCh37 (hg19) VCF-style: chr16-2126093-G-T.
Other names: c.2664G>T, p.Leu888= (NM_001077183.3, NM_001114382.3, NM_001363528.2 and 6 more transcripts); c.2553G>T, p.Leu851= (NM_001318827.2, NM_001406670.1, NM_001406678.1); c.2517G>T, p.Leu839= (NM_001318829.2, NM_001406675.1, NM_001406676.1 and 1 more transcripts); c.2064G>T, p.Leu688= (NM_001318831.2, NM_001406680.1, NM_001406682.1 and 6 more transcripts); c.2697G>T, p.Leu899= (NM_001318832.2); c.2754G>T, p.Leu918= (NM_001406667.1, NM_001406668.1); c.2652G>T, p.Leu884= (NM_001406671.1, NM_001406673.1); c.2607G>T, p.Leu869= (NM_001406677.1); and 3 more.
Identifiers: ClinVar variation 2701980 (VCV002701980.3), dbSNP rs1326043043, ClinGen allele CA492953647.
Genomic context (GRCh38, chr16:2,076,092, plus strand): 5'-TGCCAGGATGGAGTGCCAGCCCCCTTCTCATCTCAGGTTTAATCAGTACATCGTGTGTCT[G>T]GCCCATCACGTCATAGCCATGTGGTTCATCAGGTGCCGCCTGCCCTTCCGGAAGGATTTT-3'
Protein context (NP_000539.2, residues 878-898): PSKFNQYIVC[Leu888=]AHHVIAMWFI